The following is an entry in ClinVar:

ClinVar aggregate classification (germline): Uncertain significance (1 of 4 stars; one submission).

Submission:

Labcorp Genetics (formerly Invitae), Labcorp
Classification: Uncertain significance. Last evaluated: 2022-04-20. Review status: criteria provided, single submitter. Criteria: Invitae Variant Classification Sherloc (09022015). Collection method: clinical testing. Allele origin: germline.
Comment: In summary, the available evidence is currently insufficient to determine the role of this variant in disease. Therefore, it has been classified as a Variant of Uncertain Significance. Algorithms developed to predict the effect of missense changes on protein structure and function (SIFT, PolyPhen-2, Align-GVGD) all suggest that this variant is likely to be disruptive. This variant has not been reported in the literature in individuals affected with FGF14-related conditions. This variant is not present in population databases (gnomAD no frequency). This sequence change replaces cysteine, which is neutral and slightly polar, with phenylalanine, which is neutral and non-polar, at codon 143 of the FGF14 protein (p.Cys143Phe).

NM_004115.4(FGF14):c.428G>T (p.Cys143Phe)

Gene: FGF14 (fibroblast growth factor 14; minus strand). Cytogenetic location: 13q33.1.
Variant type: single nucleotide variant.
Coding change: c.428G>T on transcript NM_004115.4 (MANE Select); coding-DNA position 428, G replaced by T.
Protein change: p.Cys143Phe; replaces cysteine 143 with phenylalanine.
Molecular consequence: missense variant.
Genome position (GRCh38, 1-based): chr13:101,726,791, C>A on the plus strand (G>T on the coding strand, the complement: FGF14 is on the minus strand). VCF-style: chr13-101726791-C-A. GRCh37 (hg19) VCF-style: chr13-102379141-C-A.
Other names: c.242G>T, p.Cys81Phe (NM_001321941.2); c.176G>T, p.Cys59Phe (NM_001321942.1, NM_001321943.1, NM_001321946.2 and 4 more transcripts); c.239G>T, p.Cys80Phe (NM_001321944.1, NM_001321932.1, NM_001321936.1); c.326G>T, p.Cys109Phe (NM_001321945.2, NM_001321948.2, NM_001379342.1); c.287G>T, p.Cys96Phe (NM_001321947.2); c.248G>T, p.Cys83Phe (NM_001321933.1, NM_001321938.2, NM_001321940.1); c.332G>T, p.Cys111Phe (NM_001321939.2); c.443G>T, p.Cys148Phe (NM_175929.3); short protein forms C143F, C148F, C96F, C111F, C81F, C109F, C59F, C83F.
Identifiers: ClinVar variation 2128618 (VCV002128618.4), dbSNP rs1594043770, ClinGen allele CA388711393.
Genomic context (GRCh38, chr13:101,726,791, plus strand): 5'-CTGTACAACATGGATGAGTAGATTACATAATAATTTTCAAAAACAGATTCTTTAAACTTG[C>A]ATTCAGGGGTAAAAAGTTCCTGTGGAGAGAAAATGAAACAAAAGTTAGAGGAAGGAACTT-3'
Protein context (NP_004106.1, residues 133-153): LYPSELFTPE[Cys143Phe]KFKESVFENY